The following is an entry in ClinVar:

NM_000368.5(TSC1):c.1960C>T (p.Gln654Ter)

Gene: TSC1 (TSC complex subunit 1; minus strand). Cytogenetic location: 9q34.13.
Variant type: single nucleotide variant.
Coding change: c.1960C>T on transcript NM_000368.5 (MANE Select); coding-DNA position 1960, C replaced by T.
Protein change: p.Gln654Ter; replaces glutamine 654 with a stop codon.
Molecular consequence: nonsense.
Genome position (GRCh38, 1-based): chr9:132,905,618, G>A on the plus strand (C>T on the coding strand, the complement: TSC1 is on the minus strand). VCF-style: chr9-132905618-G-A. GRCh37 (hg19) VCF-style: chr9-135781005-G-A.
Other names: c.1957C>T, p.Gln653Ter (NM_001162426.2); c.1807C>T, p.Gln603Ter (NM_001162427.2); c.1597C>T, p.Gln533Ter (NM_001362177.2); short protein forms Q654*, Q533*, Q603*, Q653*.
Identifiers: ClinVar variation 48858 (VCV000048858.19), dbSNP rs75820036, ClinGen allele CA005658.
Genomic context (GRCh38, chr9:132,905,618, plus strand): 5'-AAGAGAGTGCCCCAGTCCCTTACTTGTTCAGCTCCTTGCTGTGCGCGTCTGCTCCCTGCT[G>A]TATCAGTCTGTCCAGCACTTCCATTGGGGAGGTAGAGGGCACACCATCTTCCTCTGTGTT-3'

ClinVar aggregate classification (germline): Pathogenic. Review status: criteria provided, multiple submitters, no conflicts (2 of 4 stars). 9 submissions from 9 submitters: Pathogenic (8). 1 of the submissions does not count toward it. Last evaluated 2024-09-10.

Conditions:
TSC1-related disorder. Also called: TSC1-related condition.
Hereditary cancer-predisposing syndrome. Also called: Tumor predisposition; Neoplastic Syndromes, Hereditary; Hereditary neoplastic syndrome; Hereditary Cancer Syndrome. Identifiers: Orphanet 140162, MedGen C0027672, MeSH D009386, MONDO:0015356.
Tuberous sclerosis syndrome (TSC). Also called: Tuberous Sclerosis Complex; Tuberous sclerosis. Identifiers: Orphanet 805, MedGen C0041341, MONDO:0001734.
Tuberous sclerosis 1 (TSC1). Identifiers: Orphanet 805, MedGen C1854465, MONDO:0008612, OMIM 191100.

Submissions (9):

3billion
Classification: Pathogenic for Tuberous sclerosis 1. Last evaluated: 2024-09-10. Review status: criteria provided, single submitter. Criteria: ACMG Guidelines, 2015. Collection method: clinical testing. Allele origin: germline. Affected: yes.
Comment: The variant is not observed in the gnomAD v4.0.0 dataset. Predicted Consequence/Location: Stop-gained (nonsense): predicted to result in a loss or disruption of normal protein function through nonsense-mediated decay (NMD) or protein truncation. Multiple pathogenic variants are reported downstream of the variant. The variant has been reported at least twice as pathogenic with clinical assertions and evidence for the classification (ClinVar ID: VCV000048858 /PMID: 9924605). Therefore, this variant is classified as Pathogenic according to the recommendation of ACMG/AMP guideline.

Labcorp Genetics (formerly Invitae), Labcorp
Classification: Pathogenic for Tuberous sclerosis 1. Last evaluated: 2024-03-13. Review status: criteria provided, single submitter. Criteria: Invitae Variant Classification Sherloc (09022015). Collection method: clinical testing. Allele origin: germline.
Comment: This sequence change creates a premature translational stop signal (p.Gln654*) in the TSC1 gene. It is expected to result in an absent or disrupted protein product. Loss-of-function variants in TSC1 are known to be pathogenic (PMID: 10227394, 17304050). This variant is not present in population databases (gnomAD no frequency). This premature translational stop signal has been observed in individuals with tuberous sclerosis complex (PMID: 9924605, 11112665, 23389244). This variant is also known as c.2181C>T (p.Q554X). ClinVar contains an entry for this variant (Variation ID: 48858). For these reasons, this variant has been classified as Pathogenic.

Division of Genomic Medicine, Department of Advanced Medicine, Medical Research Institute, Kanazawa Medical University
Classification: Pathogenic for Tuberous sclerosis 1. Last evaluated: 2022-07-17. Review status: criteria provided, single submitter. Criteria: ACMG Guidelines, 2015. Collection method: clinical testing. Allele origin: germline. Affected: yes. Observed: 2 variant alleles.

Blueprint Genetics
Classification: Pathogenic for TSC1-related disorders. Last evaluated: 2022-06-03. Review status: criteria provided, single submitter. Criteria: ACMG Guidelines, 2015. Collection method: clinical testing. Allele origin: germline. Affected: yes. Observed: 1 variant allele.

Genome-Nilou Lab
Classification: Pathogenic for Tuberous sclerosis 1. Last evaluated: 2021-11-07. Review status: criteria provided, single submitter. Criteria: ACMG Guidelines, 2015. Collection method: clinical testing. Allele origin: germline. Affected: no.

Athena Diagnostics
Classification: Pathogenic. Last evaluated: 2021-09-28. Review status: criteria provided, single submitter. Criteria: Athena Diagnostics Criteria. Collection method: clinical testing. Allele origin: unknown.
Comment: This variant is expected to result in the loss of a functional protein. This variant has not been reported in large, multi-ethnic general populations. This variant has been identified in at least one individual with clinical features associated with this gene. In some published literature, this variant is referred to as c.2181C>T, Q554X.

GeneDx
Classification: Pathogenic. Last evaluated: 2021-03-22. Review status: criteria provided, single submitter. Criteria: GeneDx Variant Classification Process June 2021. Collection method: clinical testing. Allele origin: germline. Affected: yes.
Comment: Previously reported multiple times in association with tuberous sclerosis complex (Kwiatkowska et al., 1998; Dabora et al., 1998; Niida et al., 2013); Nonsense variant predicted to result in protein truncation or nonsense mediated decay in a gene for which loss-of-function is a known mechanism of disease; Not observed in large population cohorts (Lek et al., 2016); This variant is associated with the following publications: (PMID: 11112665, 23389244, 22974335, 10533067, 25498131, 9924605, 25525159, 10363127)

Ambry Genetics
Classification: Pathogenic for Hereditary cancer-predisposing syndrome. Last evaluated: 2018-01-02. Review status: criteria provided, single submitter. Criteria: Ambry Variant Classification Scheme 2023. Collection method: clinical testing. Allele origin: germline.
Comment: The p.Q654* pathogenic mutation (also known as c.1960C>T), located in coding exon 13 of the TSC1 gene, results from a C to T substitution at nucleotide position 1960. This changes the amino acid from a glutamine to a stop codon within coding exon 13. This alteration was detected in an individual meeting NIH diagnostic criteria for tuberous sclerosis complex (TSC) (Kwiatkowska J et al. Ann. Hum. Genet., 1998 Jul;62:277-85). This alteration is expected to result in loss of function by premature protein truncation or nonsense-mediated mRNA decay. As such, this alteration is interpreted as a disease-causing mutation.

Tuberous sclerosis database (TSC1)
No classification provided. Condition: TSC. Review status: no classification provided. Criteria: Tuberous Sclerosis Database Assertion Criteria 2015. Collection method: curation. Allele origin: germline. Affected: yes. Not counted in ClinVar's aggregate classification.

Literature cited by the submitters: PubMed 9924605 (cited by 4 submitters); PubMed 10227394 (cited by Labcorp Genetics (formerly Invitae), Labcorp); PubMed 17304050 (cited by Labcorp Genetics (formerly Invitae), Labcorp); PubMed 11112665 (cited by Labcorp Genetics (formerly Invitae), Labcorp and Athena Diagnostics); PubMed 23389244 (cited by Labcorp Genetics (formerly Invitae), Labcorp and Athena Diagnostics); PubMed 25525159 (cited by Athena Diagnostics); PubMed 10363127 (cited by Athena Diagnostics).